The following is an entry in ClinVar:

ClinVar aggregate classification (germline): Likely pathogenic (1 of 4 stars; one submission).

Conditions:
Familial hemophagocytic lymphohistiocytosis 3 (FHL3). Also called: UNC13D-Related Familial Hemophagocytic Lymphohistiocytosis (UNC13D-fHLH). Identifiers: Orphanet 540, MedGen C1837174, MONDO:0012146, OMIM 608898.

Submission:

Juno Genomics, Hangzhou Juno Genomics, Inc
Classification: Likely pathogenic for Familial hemophagocytic lymphohistiocytosis 3. Review status: criteria provided, single submitter. Criteria: ACMG Guidelines, 2015. Collection method: clinical testing. Allele origin: germline.
Comment: Null variant in a gene where loss of function (LOF) is a known mechanism of disease.;Absent from controls (or at extremely low frequency if recessive) in Genome Aggregation Database.

NM_199242.3(UNC13D):c.1366del (p.Gln456fs)

Gene: UNC13D (unc-13 homolog D; minus strand). Cytogenetic location: 17q25.1.
Variant type: Deletion.
Coding change: c.1366del on transcript NM_199242.3 (MANE Select); coding-DNA position 1366, one base deleted (C; older notation c.1366delC).
Protein change: p.Gln456fs; shifts the reading frame from glutamine 456.
Molecular consequence: frameshift variant.
Genome position (GRCh38, 1-based): chr17:75,836,362, G deleted on the plus strand (C on the coding strand, the reverse complement: UNC13D is on the minus strand); the first of 4 consecutive G bases (chr17:75,836,362-75,836,365); deleting any one gives the same sequence. VCF-style (leftmost placement, unchanged base first): chr17-75836361-TG-T. GRCh37 (hg19) VCF-style: chr17-73832442-TG-T.
Other names: short protein forms Q456fs.
Identifiers: ClinVar variation 5005817 (VCV005005817.2).